The following is an entry in ClinVar:

ClinVar aggregate classification (germline): Uncertain significance (1 of 4 stars; one submission).

gnomAD v4.1: 1 of 1,592,634 alleles (0.000063%); highest among the groups gnomAD compares: Non-Finnish European, 0.000086%; no homozygotes.

Submission:

Ambry Genetics
Classification: Uncertain significance. Last evaluated: 2025-01-13. Review status: criteria provided, single submitter. Criteria: Ambry Variant Classification Scheme 2023. Collection method: clinical testing. Allele origin: germline.
Comment: The p.C479S variant (also known as c.1435T>A), located in coding exon 14 of the RASA2 gene, results from a T to A substitution at nucleotide position 1435. The cysteine at codon 479 is replaced by serine, an amino acid with dissimilar properties. This amino acid position is conserved. In addition, this alteration is predicted to be deleterious by in silico analysis. Based on the available evidence, the clinical significance of this variant remains unclear.

NM_006506.5(RASA2):c.1435T>A (p.Cys479Ser)

Gene: RASA2 (RAS p21 protein activator 2; plus strand). Cytogenetic location: 3q23.
Variant type: single nucleotide variant.
Coding change: c.1435T>A on transcript NM_006506.5 (MANE Select); coding-DNA position 1435, T replaced by A.
Protein change: p.Cys479Ser; replaces cysteine 479 with serine.
Molecular consequence: missense variant.
Genome position (GRCh38, 1-based): chr3:141,574,019, T>A. VCF-style: chr3-141574019-T-A. GRCh37 (hg19) VCF-style: chr3-141292861-T-A.
Other names: c.1435T>A, p.Cys479Ser (NM_001303245.3, NM_001303246.3); short protein forms C479S.
Identifiers: ClinVar variation 3786972 (VCV003786972.1).